The following is an entry in ClinVar:

NM_000051.4(ATM):c.7037C>T (p.Ala2346Val)

Genes: ATM (ATM serine/threonine kinase; plus strand), C11orf65 (chromosome 11 open reading frame 65; minus strand). Cytogenetic location: 11q22.3.
Variant type: single nucleotide variant.
Coding change: c.7037C>T on transcript NM_000051.4 (MANE Select); coding-DNA position 7037, C replaced by T.
Protein change: p.Ala2346Val; replaces alanine 2346 with valine.
Molecular consequence: missense variant. On other transcripts: intron variant (2).
Genome position (GRCh38, 1-based): chr11:108,327,706, C>T. VCF-style: chr11-108327706-C-T. GRCh37 (hg19) VCF-style: chr11-108198433-C-T.
Other names: c.7037C>T, p.Ala2346Val (NM_001351834.2); c.641-18635G>A (NM_001330368.2); c.*38+7514G>A (NM_001351110.2); short protein forms A2346V.
Identifiers: ClinVar variation 935196 (VCV000935196.21), dbSNP rs2085819145, ClinGen allele CA382558881.

ClinVar aggregate classification (germline): Uncertain significance. Review status: criteria provided, multiple submitters, no conflicts (2 of 4 stars). 4 submissions from 4 submitters: Uncertain significance (3). 1 of the submissions does not count toward it. Last evaluated 2025-07-30.

Conditions:
Familial cancer of breast. Also called: Hereditary breast cancer; hereditary breast carcinoma; BREAST CANCER, FAMILIAL. Identifiers: Orphanet 227535, MedGen C0346153, MONDO:0016419, OMIM 114480. Disease mechanism: loss of function.
Ataxia-telangiectasia syndrome (AT). Also called: Ataxia-telangiectasia, complementation group D; AT, COMPLEMENTATION GROUP C; ATAXIA-TELANGIECTASIA, COMPLEMENTATION GROUP A; ATAXIA-TELANGIECTASIA, FRESNO VARIANT; Ataxia-telangiectasia; Ataxia telangiectasia (A-T). Identifiers: Orphanet 100, MedGen C0004135, MONDO:0008840, OMIM 208900.

Allele frequency attached by ClinVar (database versions not stated): gnomAD exomes below 0.00001.
gnomAD v4.1: 1 of 1,613,980 alleles (0.000062%); highest among the groups gnomAD compares: Non-Finnish European, 0.000085%; no homozygotes.

Submissions (4):

Labcorp Genetics (formerly Invitae), Labcorp
Classification: Uncertain significance for Ataxia-telangiectasia syndrome. Last evaluated: 2025-07-30. Review status: criteria provided, single submitter. Criteria: Invitae Variant Classification Sherloc (09022015). Collection method: clinical testing. Allele origin: germline.
Comment: This sequence change replaces alanine, which is neutral and non-polar, with valine, which is neutral and non-polar, at codon 2346 of the ATM protein (p.Ala2346Val). This variant is not present in population databases (gnomAD no frequency). This variant has not been reported in the literature in individuals affected with ATM-related conditions. ClinVar contains an entry for this variant (Variation ID: 935196). Invitae Evidence Modeling of protein sequence and biophysical properties (such as structural, functional, and spatial information, amino acid conservation, physicochemical variation, residue mobility, and thermodynamic stability) has been performed for this missense variant. However, the output from this modeling did not meet the statistical confidence thresholds required to predict the impact of this variant on ATM protein function. RNA analysis provides insufficient evidence to determine the effect of this variant on ATM splicing (internal data). In summary, the available evidence is currently insufficient to determine the role of this variant in disease. Therefore, it has been classified as a Variant of Uncertain Significance.

Department of Human Genetics, Hannover Medical School
Classification: Uncertain significance for Familial cancer of breast. Last evaluated: 2024-09-23. Review status: criteria provided, single submitter. Criteria: ACMG Guidelines, 2015. Collection method: clinical testing. Allele origin: germline. Affected: yes.
Comment: ClinGen ATM: (PM2_Supporting, PP3)

Mendelics
Classification: Uncertain significance. Last evaluated: 2022-05-04. Review status: criteria provided, single submitter. Criteria: Mendelics Assertion Criteria 2019. Collection method: clinical testing. Allele origin: germline.

Natera, Inc.
Classification: Uncertain significance for Ataxia-telangiectasia. Last evaluated: 2020-07-22. Review status: no assertion criteria provided. Collection method: clinical testing. Allele origin: germline. Not counted in ClinVar's aggregate classification.